The following is an entry in ClinVar:

ClinVar aggregate classification (germline): Uncertain significance. Review status: criteria provided, multiple submitters, no conflicts (2 of 4 stars). 2 submissions from 2 submitters: Uncertain significance (2). Last evaluated 2025-01-27.

Conditions:
Inborn genetic diseases. Identifiers: MedGen C0950123, MeSH D030342.
Mitochondrial hypertrophic cardiomyopathy with lactic acidosis due to MTO1 deficiency. Also called: CARDIOMYOPATHY, INFANTILE HYPERTROPHIC MITOCHONDRIAL, AND LACTIC ACIDOSIS; Combined oxidative phosphorylation deficiency 10. Identifiers: Orphanet 314637, MedGen C4749921, MONDO:0013865, OMIM 614702.

Allele frequency attached by ClinVar (database versions not stated): gnomAD exomes below 0.00001 and 0.00002; ExAC 0.00002; gnomAD 0.00006; ESP Exome Variant Server 0.00008.
gnomAD v4.1: 15 of 1,614,002 alleles (0.00093%); highest among the groups gnomAD compares: African/African-American, 0.019%; no homozygotes.

Submissions (2):

Ambry Genetics
Classification: Uncertain significance for Inborn genetic diseases. Last evaluated: 2025-01-27. Review status: criteria provided, single submitter. Criteria: Ambry Variant Classification Scheme 2023. Collection method: clinical testing. Allele origin: germline.

Labcorp Genetics (formerly Invitae), Labcorp
Classification: Uncertain significance for Mitochondrial hypertrophic cardiomyopathy with lactic acidosis due to MTO1 deficiency. Last evaluated: 2024-10-15. Review status: criteria provided, single submitter. Criteria: Invitae Variant Classification Sherloc (09022015). Collection method: clinical testing. Allele origin: germline.
Comment: This sequence change replaces isoleucine, which is neutral and non-polar, with valine, which is neutral and non-polar, at codon 248 of the MTO1 protein (p.Ile248Val). This variant is present in population databases (rs139801695, gnomAD 0.02%). This variant has not been reported in the literature in individuals affected with MTO1-related conditions. ClinVar contains an entry for this variant (Variation ID: 1372663). Invitae Evidence Modeling of protein sequence and biophysical properties (such as structural, functional, and spatial information, amino acid conservation, physicochemical variation, residue mobility, and thermodynamic stability) indicates that this missense variant is not expected to disrupt MTO1 protein function with a negative predictive value of 95%. In summary, the available evidence is currently insufficient to determine the role of this variant in disease. Therefore, it has been classified as a Variant of Uncertain Significance.

NM_012123.4(MTO1):c.742A>G (p.Ile248Val)

Gene: MTO1 (mitochondrial tRNA translation optimization 1; plus strand). Cytogenetic location: 6q13.
Variant type: single nucleotide variant.
Coding change: c.742A>G on transcript NM_012123.4 (MANE Select); coding-DNA position 742, A replaced by G.
Protein change: p.Ile248Val; replaces isoleucine 248 with valine.
Molecular consequence: missense variant.
Genome position (GRCh38, 1-based): chr6:73,473,571, A>G. VCF-style: chr6-73473571-A-G. GRCh37 (hg19) VCF-style: chr6-74183294-A-G.
Other names: c.742A>G, p.Ile248Val (NM_001123226.2, NM_133645.3); c.742A>G (NM_001123226.1); short protein forms I248V.
Identifiers: ClinVar variation 1372663 (VCV001372663.5), dbSNP rs139801695, ClinGen allele CA3889433.